The following is an entry in ClinVar:

NM_005121.3(MED13):c.641A>G (p.Asn214Ser)

Gene: MED13 (mediator complex subunit 13; minus strand). Cytogenetic location: 17q23.2.
Variant type: single nucleotide variant.
Coding change: c.641A>G on transcript NM_005121.3 (MANE Select); coding-DNA position 641, A replaced by G.
Protein change: p.Asn214Ser; replaces asparagine 214 with serine.
Molecular consequence: missense variant.
Genome position (GRCh38, 1-based): chr17:62,033,960, T>C on the plus strand (A>G on the coding strand, the complement: MED13 is on the minus strand). VCF-style: chr17-62033960-T-C. GRCh37 (hg19) VCF-style: chr17-60111321-T-C.
Other names: short protein forms N214S.
Identifiers: ClinVar variation 2504556 (VCV002504556.1), dbSNP rs2509166721, ClinGen allele CA400786363.

ClinVar aggregate classification (germline): Uncertain significance (1 of 4 stars; one submission).

Submission:

GeneDx
Classification: Uncertain significance. Last evaluated: 2023-05-30. Review status: criteria provided, single submitter. Criteria: GeneDx Variant Classification Process June 2021. Collection method: clinical testing. Allele origin: germline. Affected: yes.
Comment: Not observed at significant frequency in large population cohorts (gnomAD); In silico analysis supports that this missense variant does not alter protein structure/function; Has not been previously published as pathogenic or benign to our knowledge